The following is an entry in ClinVar:

ClinVar aggregate classification (germline): Uncertain significance. Review status: criteria provided, multiple submitters, no conflicts (2 of 4 stars). 2 submissions from 2 submitters: Uncertain significance (2). Last evaluated 2024-05-20.

Conditions:
Ataxia - intellectual disability - oculomotor apraxia - cerebellar cysts syndrome. Also called: Poretti-Boltshauser syndrome. Identifiers: Orphanet 370022, MedGen C4014821, MONDO:0014419, OMIM 615960.

Allele frequency attached by ClinVar (database versions not stated): gnomAD 0.00001; ExAC 0.00002; gnomAD exomes 0.00003 and 0.00006; TOPMed 0.00003.
gnomAD v4.1: 20 of 1,613,898 alleles (0.0012%); highest among the groups gnomAD compares: Admixed American, 0.033%; no homozygotes.

Submissions (2):

Labcorp Genetics (formerly Invitae), Labcorp
Classification: Uncertain significance. Last evaluated: 2024-05-20. Review status: criteria provided, single submitter. Criteria: Invitae Variant Classification Sherloc (09022015). Collection method: clinical testing. Allele origin: germline.
Comment: This sequence change falls in intron 39 of the LAMA1 gene. It does not directly change the encoded amino acid sequence of the LAMA1 protein. It affects a nucleotide within the consensus splice site. This variant is present in population databases (rs767853385, gnomAD 0.04%). This variant has not been reported in the literature in individuals affected with LAMA1-related conditions. ClinVar contains an entry for this variant (Variation ID: 1030935). Variants that disrupt the consensus splice site are a relatively common cause of aberrant splicing (PMID: 17576681, 9536098). Algorithms developed to predict the effect of sequence changes on RNA splicing suggest that this variant is not likely to affect RNA splicing. In summary, the available evidence is currently insufficient to determine the role of this variant in disease. Therefore, it has been classified as a Variant of Uncertain Significance.

Baylor Genetics
Classification: Uncertain significance for Ataxia - intellectual disability - oculomotor apraxia - cerebellar cysts syndrome. Last evaluated: 2019-11-11. Review status: criteria provided, single submitter. Criteria: ACMG Guidelines, 2015. Collection method: clinical testing. Allele origin: unknown. Affected: yes.
Comment: This variant was determined to be of uncertain significance according to ACMG Guidelines, 2015 [PMID:25741868].

Literature cited by the submitters: PubMed 17576681 (cited by Labcorp Genetics (formerly Invitae), Labcorp); PubMed 9536098 (cited by Labcorp Genetics (formerly Invitae), Labcorp).

NM_005559.4(LAMA1):c.5660+5G>T

Gene: LAMA1 (laminin subunit alpha 1; minus strand). Cytogenetic location: 18p11.31.
Variant type: single nucleotide variant.
Coding change: c.5660+5G>T on transcript NM_005559.4 (MANE Select); 5 bases into the intron after coding-DNA position 5660, G replaced by T.
Molecular consequence: intron variant.
Genome position (GRCh38, 1-based): chr18:6,985,232, C>A on the plus strand (G>T on the coding strand, the complement: LAMA1 is on the minus strand). VCF-style: chr18-6985232-C-A. GRCh37 (hg19) VCF-style: chr18-6985231-C-A.
Identifiers: ClinVar variation 1030935 (VCV001030935.6), dbSNP rs767853385, ClinGen allele CA8881535.
Genomic context (GRCh38, chr18:6,985,232, plus strand): 5'-CATCCATCTATTTCTCCGATCAATAGACTGCAAGCTCTTGAGTTCCCACAAAGGCGTGTT[C>A]CTACCTGTACAGAACATCTGCTAGTCTCTGGAACTCAGCGGCATGGTCCTCAGCTCTGTA-3'